The following is an entry in ClinVar:

NM_021870.3(FGG):c.418T>C (p.Tyr140His)

Gene: FGG (fibrinogen gamma chain; minus strand). Cytogenetic location: 4q32.1.
Variant type: single nucleotide variant.
Coding change: c.418T>C on transcript NM_021870.3 (MANE Select); coding-DNA position 418, T replaced by C.
Protein change: p.Tyr140His; replaces tyrosine 140 with histidine.
Molecular consequence: missense variant.
Genome position (GRCh38, 1-based): chr4:154,610,181, A>G on the plus strand (T>C on the coding strand, the complement: FGG is on the minus strand). VCF-style: chr4-154610181-A-G. GRCh37 (hg19) VCF-style: chr4-155531333-A-G.
Other names: c.418T>C, p.Tyr140His (NM_000509.6); short protein forms Y140H.
Identifiers: ClinVar variation 347830 (VCV000347830.17), dbSNP rs2066870, ClinGen allele CA3115650.

ClinVar aggregate classification (germline): Benign/Likely benign. Review status: criteria provided, multiple submitters, no conflicts (2 of 4 stars). 5 submissions from 5 submitters: Benign (4); Likely benign (1). Last evaluated 2026-02-01.

Conditions:
Congenital afibrinogenemia. Identifiers: Orphanet 335, Orphanet 98880, MedGen C2584774, MONDO:0008737, OMIM 202400.

Allele frequency attached by ClinVar (database versions not stated): gnomAD exomes 0.00474; ExAC 0.00601; gnomAD 0.01747 and 0.01852; ESP Exome Variant Server 0.01930; TOPMed 0.01997; 1000 Genomes Project 0.02316; 1000 Genomes Project 30x 0.02530.
gnomAD v4.1: 5,311 of 1,584,110 alleles (0.34%); highest among the groups gnomAD compares: African/African-American, 6%; 137 homozygotes.

Submissions (5):

Labcorp Genetics (formerly Invitae), Labcorp
Classification: Benign. Last evaluated: 2026-02-01. Review status: criteria provided, single submitter. Criteria: Invitae Variant Classification Sherloc (09022015). Collection method: clinical testing. Allele origin: germline.

Mayo Clinic Laboratories, Mayo Clinic
Classification: Likely benign. Last evaluated: 2024-01-18. Review status: criteria provided, single submitter. Criteria: ACMG Guidelines, 2015. Collection method: clinical testing. Allele origin: germline. Observed: 8 variant alleles.

GeneDx
Classification: Benign. Last evaluated: 2021-05-09. Review status: criteria provided, single submitter. Criteria: GeneDx Variant Classification Process June 2021. Collection method: clinical testing. Allele origin: germline. Affected: yes.
Comment: This variant is associated with the following publications: (PMID: 27884173, 19420351, 23467727)

Illumina Laboratory Services, Illumina
Classification: Benign for Congenital afibrinogenemia. Last evaluated: 2018-03-06. Review status: criteria provided, single submitter. Criteria: ICSL Variant Classification Criteria 13 December 2019. Collection method: clinical testing. Allele origin: germline.
Comment: This variant was observed in the ICSL laboratory as part of a predisposition screen in an ostensibly healthy population. It had not been previously curated by ICSL or reported in the Human Gene Mutation Database (HGMD: prior to June 1st, 2018), and was therefore a candidate for classification through an automated scoring system. Utilizing variant allele frequency, disease prevalence and penetrance estimates, and inheritance mode, an automated score was calculated to assess if this variant is too frequent to cause the disease. Based on the score and internal cut-off values, a variant classified as benign is not then subjected to further curation. The score for this variant resulted in a classification of benign for this disease.

Breakthrough Genomics
Classification: Benign. Review status: criteria provided, single submitter. Criteria: ACMG Guidelines, 2015. Collection method: not provided. Allele origin: germline. Inheritance: Autosomal recessive inheritance. Affected: yes.

Literature cited by the submitters: PubMed 19420351 (cited by Mayo Clinic Laboratories, Mayo Clinic); PubMed 22388766 (cited by Mayo Clinic Laboratories, Mayo Clinic); PubMed 23467727 (cited by Mayo Clinic Laboratories, Mayo Clinic); PubMed 27884173 (cited by Mayo Clinic Laboratories, Mayo Clinic); PubMed 28211264 (cited by Mayo Clinic Laboratories, Mayo Clinic); PubMed 35073585 (cited by Mayo Clinic Laboratories, Mayo Clinic); PubMed 36369145 (cited by Mayo Clinic Laboratories, Mayo Clinic); PubMed 37583269 (cited by Mayo Clinic Laboratories, Mayo Clinic).